The following is an entry in ClinVar:

NM_030777.4(SLC2A10):c.1548-18G>A

Gene: SLC2A10 (solute carrier family 2 member 10; plus strand). Cytogenetic location: 20q13.12.
Variant type: single nucleotide variant.
Coding change: c.1548-18G>A on transcript NM_030777.4 (MANE Select); 18 bases into the intron before coding-DNA position 1548, G replaced by A.
Molecular consequence: intron variant.
Genome position (GRCh38, 1-based): chr20:46,733,738, G>A. VCF-style: chr20-46733738-G-A. GRCh37 (hg19) VCF-style: chr20-45362377-G-A.
Identifiers: ClinVar variation 139180 (VCV000139180.17), dbSNP rs113496485, ClinGen allele CA293560.

ClinVar aggregate classification (germline): Benign. Review status: criteria provided, multiple submitters, no conflicts (2 of 4 stars). 5 submissions from 5 submitters: Benign (5). Last evaluated 2026-02-01.

Conditions:
Arterial tortuosity syndrome (ATORS). Identifiers: Orphanet 3342, MedGen C1859726, MONDO:0008818, OMIM 208050.

Allele frequency attached by ClinVar (database versions not stated): gnomAD exomes 0.00073 and 0.00192; ExAC 0.00227; gnomAD 0.00699 and 0.00749; 1000 Genomes Project 30x 0.00765; TOPMed 0.00765; 1000 Genomes Project 0.00799; ESP Exome Variant Server 0.00861.
gnomAD v4.1: 2,205 of 1,611,506 alleles (0.14%); highest among the groups gnomAD compares: African/African-American, 2.5%; 30 homozygotes.

Submissions (5):

Labcorp Genetics (formerly Invitae), Labcorp
Classification: Benign for Arterial tortuosity syndrome. Last evaluated: 2026-02-01. Review status: criteria provided, single submitter. Criteria: Invitae Variant Classification Sherloc (09022015). Collection method: clinical testing. Allele origin: germline.

Women's Health and Genetics/Laboratory Corporation of America, LabCorp
Classification: Benign. Last evaluated: 2021-02-01. Review status: criteria provided, single submitter. Criteria: LabCorp Variant Classification Summary - May 2015. Collection method: clinical testing. Allele origin: germline.
Comment: Variant summary: SLC2A10 c.1548-18G>A alters a non-conserved nucleotide located close to a canonical splice site and therefore could affect mRNA splicing, leading to a significantly altered protein sequence. 4/4 computational tools predict no significant impact on normal splicing. However, these predictions have yet to be confirmed by functional studies. The variant allele was found at a frequency of 0.0019 in 250304 control chromosomes in the gnomAD database, including 5 homozygotes. The observed variant frequency exceeds the estimated maximal expected allele frequency for a pathogenic variant in SLC2A10 causing Arterial Tortuosity Syndrome phenotype (0.0016), strongly suggesting that the variant is benign. To our knowledge, no occurrence of c.1548-18G>A in individuals affected with Arterial Tortuosity Syndrome and no experimental evidence demonstrating its impact on protein function have been reported. No clinical diagnostic laboratories have submitted clinical-significance assessments for this variant to ClinVar after 2014. Based on the evidence outlined above, the variant was classified as benign.

ARUP Laboratories, Molecular Genetics and Genomics, ARUP Laboratories
Classification: Benign for Arterial tortuosity syndrome. Last evaluated: 2020-10-13. Review status: criteria provided, single submitter. Criteria: ARUP Molecular Germline Variant Investigation Process 2021. Collection method: clinical testing. Allele origin: germline.

GeneDx
Classification: Benign. Last evaluated: 2013-06-14. Review status: criteria provided, single submitter. Criteria: GeneDx Variant Classification (06012015). Collection method: clinical testing. Allele origin: germline. Affected: yes.
Comment: This variant is considered likely benign or benign based on one or more of the following criteria: it is a conservative change, it occurs at a poorly conserved position in the protein, it is predicted to be benign by multiple in silico algorithms, and/or has population frequency not consistent with disease.

PreventionGenetics, part of Exact Sciences
Classification: Benign. Review status: criteria provided, single submitter. Criteria: ACMG Guidelines, 2015. Collection method: clinical testing. Allele origin: germline.